The following is an entry in ClinVar:

ClinVar aggregate classification (germline): Uncertain significance (1 of 4 stars; one submission).

Submission:

GeneDx
Classification: Uncertain significance. Last evaluated: 2026-04-09. Review status: criteria provided, single submitter. Criteria: GeneDx Variant Classification Process June 2021. Collection method: clinical testing. Allele origin: germline.
Comment: Has not been previously published as pathogenic or benign to our knowledge; Not observed at significant frequency in large population cohorts (gnomAD); In silico analysis suggests that this missense variant does not alter protein structure/function

NM_002069.6(GNAI1):c.817C>A (p.Leu273Ile)

Gene: GNAI1 (G protein subunit alpha i1; plus strand). Cytogenetic location: 7q21.11.
Variant type: single nucleotide variant.
Coding change: c.817C>A on transcript NM_002069.6 (MANE Select); coding-DNA position 817, C replaced by A.
Protein change: p.Leu273Ile; replaces leucine 273 with isoleucine.
Molecular consequence: missense variant.
Genome position (GRCh38, 1-based): chr7:80,212,812, C>A. VCF-style: chr7-80212812-C-A. GRCh37 (hg19) VCF-style: chr7-79842128-C-A.
Other names: c.661C>A, p.Leu221Ile (NM_001256414.2); short protein forms L221I, L273I.
Identifiers: ClinVar variation 4537735 (VCV004537735.2).